The following is an entry in ClinVar:

ClinVar aggregate classification (germline): Uncertain significance (1 of 4 stars; one submission).

Allele frequency attached by ClinVar (database versions not stated): gnomAD exomes below 0.00001; ExAC 0.00001; gnomAD 0.00003; TOPMed 0.00004.

Submission:

GeneDx
Classification: Uncertain significance. Last evaluated: 2023-01-27. Review status: criteria provided, single submitter. Criteria: GeneDx Variant Classification Process June 2021. Collection method: clinical testing. Allele origin: germline. Affected: yes.
Comment: Frameshift variant predicted to result in protein truncation as the last 74 amino acids are replaced with 14 different amino acids, although loss-of-function variants have not been reported downstream of this position in the protein; Has not been previously published as pathogenic or benign to our knowledge

NM_030787.4(CFHR5):c.1487_1488del (p.Gln496fs)

Gene: CFHR5 (complement factor H related 5; plus strand). Cytogenetic location: 1q31.3.
Variant type: Deletion.
Coding change: c.1487_1488del on transcript NM_030787.4 (MANE Select); coding-DNA positions 1487 to 1488, 2 bases deleted (AG; older notation c.1487_1488delAG).
Protein change: p.Gln496fs; shifts the reading frame from glutamine 496.
Molecular consequence: frameshift variant.
Genome position (GRCh38, 1-based): chr1:197,004,817-197,004,818, AG deleted. VCF-style (leftmost placement, unchanged base first): chr1-197004816-CAG-C. GRCh37 (hg19) VCF-style: chr1-196973946-CAG-C.
Other names: c.1487_1488delAG, p.Gln496Leufs (NM_030787.3); short protein forms Q496fs.
Identifiers: ClinVar variation 2574311 (VCV002574311.1), dbSNP rs762909951, ClinGen allele CA1308089.
Genomic context (GRCh38, chr1:197,004,816, plus strand): 5'-TACCGTTGCCAGTCCTTCTATAAACTCCAGGGCTCTGTAACTGTAACATGCAGAAATAAA[CAG>C]TGGTCAGAACCACCAAGATGCCTAGGTGAGTTCTTAATATTCTCTTGGAATCTGAGATTT-3'